The following is an entry in ClinVar:

NM_004360.5(CDH1):c.2164+7C>T

Gene: CDH1 (cadherin 1; plus strand). Cytogenetic location: 16q22.1.
Variant type: single nucleotide variant.
Coding change: c.2164+7C>T on transcript NM_004360.5 (MANE Select); 7 bases into the intron after coding-DNA position 2164, C replaced by T.
Molecular consequence: intron variant.
Genome position (GRCh38, 1-based): chr16:68,823,633, C>T. VCF-style: chr16-68823633-C-T. GRCh37 (hg19) VCF-style: chr16-68857536-C-T.
Other names: c.616+7C>T (NM_001317185.2); c.199+7C>T (NM_001317186.2); c.1981+7C>T (NM_001317184.2).
Identifiers: ClinVar variation 920243 (VCV000920243.12), dbSNP rs756306151, ClinGen allele CA623574755.

ClinVar aggregate classification (germline): Conflicting classifications of pathogenicity. Review status: criteria provided, conflicting classifications (1 of 4 stars). 3 submissions from 3 submitters: Uncertain significance (1); Likely benign (2). Last evaluated 2024-09-20.

Conditions:
Hereditary cancer-predisposing syndrome. Also called: Hereditary Cancer Syndrome; Hereditary neoplastic syndrome; Neoplastic Syndromes, Hereditary; Tumor predisposition. Identifiers: Orphanet 140162, MedGen C0027672, MeSH D009386, MONDO:0015356.
Hereditary diffuse gastric adenocarcinoma (HDGC). Also called: DIFFUSE GASTRIC AND LOBULAR BREAST CANCER SYNDROME. Identifiers: Orphanet 26106, MedGen C1708349, MONDO:0007648, OMIM 137215.

Allele frequency attached by ClinVar (database versions not stated): TOPMed below 0.00001; gnomAD 0.00001.
gnomAD v4.1: 1 of 1,583,844 alleles (0.000063%); highest among the groups gnomAD compares: African/African-American, 0.0013%; no homozygotes.

Submissions (3):

Myriad Genetics, Inc.
Classification: Likely benign for Hereditary diffuse gastric adenocarcinoma. Last evaluated: 2024-09-20. Review status: criteria provided, single submitter. Criteria: Myriad Autosomal Dominant, Autosomal Recessive and X-Linked Classification Criteria (2023). Collection method: clinical testing. Allele origin: unknown.
Comment: This variant is considered likely benign. This variant is intronic and is not expected to impact mRNA splicing.

Labcorp Genetics (formerly Invitae), Labcorp
Classification: Likely benign for Hereditary diffuse gastric adenocarcinoma. Last evaluated: 2022-08-22. Review status: criteria provided, single submitter. Criteria: Invitae Variant Classification Sherloc (09022015). Collection method: clinical testing. Allele origin: germline.

Color Diagnostics, LLC DBA Color Health
Classification: Uncertain significance for Hereditary cancer-predisposing syndrome. Last evaluated: 2018-11-15. Review status: criteria provided, single submitter. Criteria: ACMG Guidelines, 2015. Collection method: clinical testing. Allele origin: germline.